The following is an entry in ClinVar:

ClinVar aggregate classification (germline): Uncertain significance (1 of 4 stars; one submission).

Submission:

GeneDx
Classification: Uncertain significance. Last evaluated: 2024-11-22. Review status: criteria provided, single submitter. Criteria: GeneDx Variant Classification Process June 2021. Collection method: clinical testing. Allele origin: germline. Affected: yes.
Comment: Not observed at significant frequency in large population cohorts (gnomAD); In silico analysis indicates that this missense variant does not alter protein structure/function; Has not been previously published as pathogenic or benign to our knowledge

NM_015001.3(SPEN):c.7937C>A (p.Thr2646Asn)

Gene: SPEN (spen family transcriptional repressor; plus strand). Cytogenetic location: 1p36.13.
Variant type: single nucleotide variant.
Coding change: c.7937C>A on transcript NM_015001.3 (MANE Select); coding-DNA position 7937, C replaced by A.
Protein change: p.Thr2646Asn; replaces threonine 2646 with asparagine.
Molecular consequence: missense variant.
Genome position (GRCh38, 1-based): chr1:15,934,177, C>A. VCF-style: chr1-15934177-C-A. GRCh37 (hg19) VCF-style: chr1-16260672-C-A.
Other names: short protein forms T2646N.
Identifiers: ClinVar variation 3900141 (VCV003900141.1).